The following is an entry in ClinVar:

ClinVar aggregate classification (germline): Uncertain significance (1 of 4 stars; one submission).

Conditions:
Hypertrophic cardiomyopathy. Also called: HYPERTROPHIC MYOCARDIOPATHY. Identifiers: Orphanet 217569, MedGen C0007194, MeSH D002312, MONDO:0005045, HP:0001639.

Submission:

Labcorp Genetics (formerly Invitae), Labcorp
Classification: Uncertain significance for Hypertrophic cardiomyopathy. Last evaluated: 2023-03-07. Review status: criteria provided, single submitter. Criteria: Invitae Variant Classification Sherloc (09022015). Collection method: clinical testing. Allele origin: germline.
Comment: This sequence change affects a splice site in intron 8 of the MYH7 gene. It is expected to disrupt RNA splicing. Variants that disrupt the donor or acceptor splice site typically lead to a loss of protein function (PMID: 16199547), however the current clinical and genetic evidence is not sufficient to establish whether loss-of-function variants in MYH7 cause disease. This variant is not present in population databases (gnomAD no frequency). This variant has not been reported in the literature in individuals affected with MYH7-related conditions. ClinVar contains an entry for this variant (Variation ID: 2130217). Algorithms developed to predict the effect of sequence changes on RNA splicing suggest that this variant may disrupt the consensus splice site. In summary, the available evidence is currently insufficient to determine the role of this variant in disease. Therefore, it has been classified as a Variant of Uncertain Significance.

Literature cited by the submitters: PubMed 16199547.

NM_000257.4(MYH7):c.733-2del

Gene: MYH7 (myosin heavy chain 7; minus strand). Cytogenetic location: 14q11.2.
Variant type: Deletion.
Coding change: c.733-2del on transcript NM_000257.4 (MANE Select); the canonical splice acceptor site of the intron before coding-DNA position 733, one base deleted (A; older notation c.733-2delA).
Molecular consequence: splice acceptor variant.
Genome position (GRCh38, 1-based): chr14:23,431,483, T deleted on the plus strand (A on the coding strand, the reverse complement: MYH7 is on the minus strand). VCF-style (leftmost placement, unchanged base first): chr14-23431482-CT-C. GRCh37 (hg19) VCF-style: chr14-23900691-CT-C.
Other names: c.733-2del (NM_001407004.1).
Identifiers: ClinVar variation 2130217 (VCV002130217.4), dbSNP rs2502312239, ClinGen allele CA2580087892.